The following is an entry in ClinVar:

ClinVar aggregate classification (germline): Pathogenic/Likely pathogenic. Review status: criteria provided, multiple submitters, no conflicts (2 of 4 stars). 2 submissions from 2 submitters: Pathogenic (1); Likely pathogenic (1). Last evaluated 2024-03-27.

Conditions:
Fanconi anemia (FA). Also called: Fanconi's anemia. Identifiers: Orphanet 84, MedGen C0015625, MeSH D005199, MONDO:0019391.
Fanconi anemia complementation group L (FANCL). Also called: FANCL-Related Fanconi Anemia. Identifiers: Orphanet 84, MedGen C3469528, MONDO:0013566, OMIM 614083.

Allele frequency attached by ClinVar (database versions not stated): gnomAD 0.00001.

Submissions (2):

Baylor Genetics
Classification: Likely pathogenic for Fanconi anemia complementation group L. Last evaluated: 2024-03-27. Review status: criteria provided, single submitter. Criteria: ACMG Guidelines, 2015. Collection method: clinical testing. Allele origin: unknown.

Labcorp Genetics (formerly Invitae), Labcorp
Classification: Pathogenic for Fanconi anemia. Last evaluated: 2024-03-05. Review status: criteria provided, single submitter. Criteria: Invitae Variant Classification Sherloc (09022015). Collection method: clinical testing. Allele origin: germline.
Comment: This sequence change creates a premature translational stop signal (p.Glu340Argfs*9) in the FANCL gene. It is expected to result in an absent or disrupted protein product. Loss-of-function variants in FANCL are known to be pathogenic (PMID: 19405097, 23613520). This variant is not present in population databases (gnomAD no frequency). This variant has not been reported in the literature in individuals affected with FANCL-related conditions. For these reasons, this variant has been classified as Pathogenic.

Literature cited by the submitters: PubMed 19405097 (cited by Labcorp Genetics (formerly Invitae), Labcorp); PubMed 23613520 (cited by Labcorp Genetics (formerly Invitae), Labcorp).

NM_018062.4(FANCL):c.1017_1018insA (p.Glu340fs)

Gene: FANCL (FA complementation group L; minus strand). Cytogenetic location: 2p16.1.
Variant type: Insertion.
Coding change: c.1017_1018insA on transcript NM_018062.4 (MANE Select); coding-DNA positions 1017 to 1018, A inserted.
Protein change: p.Glu340fs; shifts the reading frame from glutamic acid 340.
Molecular consequence: frameshift variant.
Genome position: GRCh38 VCF-style: chr2-58161524-C-CT. GRCh37 (hg19) VCF-style: chr2-58388659-C-CT.
Other names: c.1032_1033insA, p.Glu345Argfs (NM_001114636.2); c.1062_1063insA, p.Glu355fs (NM_001374615.1); c.1077_1078insA, p.Glu360fs (NM_001410792.1); short protein forms E340fs, E345fs, E355fs, E360fs.
Identifiers: ClinVar variation 3241613 (VCV003241613.3), dbSNP rs1685166989.
Genomic context (GRCh38, chr2:58,161,524, plus strand): 5'-GAATACTTCCTATGTTGTGTTAGCGGAAAAAAGTCTTGACAATATTTTTATTTTTTACCT[C>CT]ATATAAGCATATTTGATGGAAAGGTTGTCCACACTGAGAATTATCACACACTTGATCAGG-3'